The following is an entry in ClinVar:

ClinVar aggregate classification (germline): Uncertain significance (1 of 4 stars; one submission).

Conditions:
Spastic paraplegia. Identifiers: MedGen C0037772, HP:0001258.

Submission:

Labcorp Genetics (formerly Invitae), Labcorp
Classification: Uncertain significance for Spastic paraplegia. Last evaluated: 2022-07-19. Review status: criteria provided, single submitter. Criteria: Invitae Variant Classification Sherloc (09022015). Collection method: clinical testing. Allele origin: germline.
Comment: In summary, the available evidence is currently insufficient to determine the role of this variant in disease. Therefore, it has been classified as a Variant of Uncertain Significance. Algorithms developed to predict the effect of sequence changes on RNA splicing suggest that this variant may disrupt the consensus splice site. This sequence change results in a frameshift in the VAMP1 gene (p.Ile114Asnfs*136). While this is not anticipated to result in nonsense mediated decay, it is expected to disrupt the last 5 amino acid(s) of the VAMP1 protein and extend the protein by 130 additional amino acid residues. This variant is not present in population databases (gnomAD no frequency). This variant has not been reported in the literature in individuals affected with VAMP1-related conditions. Experimental studies and prediction algorithms are not available or were not evaluated, and the functional significance of this variant is currently unknown.

NM_014231.5(VAMP1):c.338dup (p.Ile114fs)

Genes: TAPBPL (TAP binding protein like; plus strand), VAMP1 (vesicle associated membrane protein 1; minus strand). Cytogenetic location: 12p13.31.
Variant type: Duplication.
Coding change: c.338dup on transcript NM_014231.5 (MANE Select); coding-DNA position 338, one base duplicated (T; older notation c.338dupT).
Protein change: p.Ile114fs; shifts the reading frame from isoleucine 114.
Molecular consequence: frameshift variant. On other transcripts: non-coding transcript variant (1).
Genome position (GRCh38, 1-based): chr12:6,464,892, A duplicated on the plus strand (T on the coding strand, the reverse complement: VAMP1 is on the minus strand). VCF-style (leftmost placement, unchanged base first): chr12-6464891-T-TA. GRCh37 (hg19) VCF-style: chr12-6574057-T-TA.
Other names: c.338dup, p.Arg114fs (NM_001297438.2, NM_016830.4); c.338dup, p.Ser114fs (NM_199245.3); short protein forms R114fs, S114fs, I114fs.
Identifiers: ClinVar variation 2053623 (VCV002053623.4), dbSNP rs2498246378, ClinGen allele CA2580086248.